The following is an entry in ClinVar:

NM_001371623.1(TCOF1):c.2285_2286del (p.Asp761_Ser762insTer)

Gene: TCOF1 (treacle ribosome biogenesis factor 1; plus strand). Cytogenetic location: 5q32.
Variant type: Microsatellite.
Coding change: c.2285_2286del on transcript NM_001371623.1 (MANE Select); coding-DNA positions 2285 to 2286, 2 bases deleted (CT; older notation c.2285_2286delCT).
Protein change: p.Asp761_Ser762insTer.
Molecular consequence: nonsense.
Genome position (GRCh38, 1-based): chr5:150,376,565-150,376,566, CT deleted; deleting any 2 consecutive bases within chr5:150,376,563-150,376,566 gives the same sequence; the c. name uses the placement nearest the transcript's 3' end. VCF-style (leftmost placement, unchanged base first): chr5-150376562-ACT-A. GRCh37 (hg19) VCF-style: chr5-149756125-ACT-A.
Other names: c.2285_2286delCT (NM_001135243.1); c.2054_2055del, p.Asp684_Ser685insTer (NM_000356.4, NM_001135245.2); c.2285_2286del, p.Asp761_Ser762insTer (NM_001008657.3, NM_001135243.2, NM_001135244.2 and 1 more transcripts); c.2285_2286del (NM_001135243.1).
Identifiers: ClinVar variation 477616 (VCV000477616.11), dbSNP rs1554137531, ClinGen allele CA658657561.

ClinVar aggregate classification (germline): Pathogenic. Review status: criteria provided, multiple submitters, no conflicts (2 of 4 stars). 2 submissions from 2 submitters: Pathogenic (2). Last evaluated 2024-10-27.

Conditions:
Treacher Collins syndrome 1 (TCS1). Also called: TCOF1-Related Treacher Collins Syndrome. Identifiers: Orphanet 861, MedGen CN315775, MONDO:0007944, OMIM 154500.

Submissions (2):

Labcorp Genetics (formerly Invitae), Labcorp
Classification: Pathogenic for Treacher Collins syndrome 1. Last evaluated: 2024-10-27. Review status: criteria provided, single submitter. Criteria: Invitae Variant Classification Sherloc (09022015). Collection method: clinical testing. Allele origin: germline.
Comment: This sequence change creates a premature translational stop signal (p.Ser762*) in the TCOF1 gene. It is expected to result in an absent or disrupted protein product. Loss-of-function variants in TCOF1 are known to be pathogenic (PMID: 8894686, 22317976). This variant is not present in population databases (gnomAD no frequency). This premature translational stop signal has been observed in individual(s) with Treacher-Collins syndrome (PMID: 21951868, 22317976, 32909271). In at least one individual the variant was observed to be de novo. ClinVar contains an entry for this variant (Variation ID: 477616). Algorithms developed to predict the effect of sequence changes on RNA splicing suggest that this variant may disrupt the consensus splice site. For these reasons, this variant has been classified as Pathogenic.

GeneDx
Classification: Pathogenic. Last evaluated: 2024-05-04. Review status: criteria provided, single submitter. Criteria: GeneDx Variant Classification Process June 2021. Collection method: clinical testing. Allele origin: germline. Affected: yes.
Comment: Nonsense variant predicted to result in protein truncation or nonsense mediated decay in a gene for which loss of function is a known mechanism of disease; Not observed at significant frequency in large population cohorts (gnomAD); This variant is associated with the following publications: (PMID: 31589614, 32909271, 33332773, 22317976, 21951868)

Literature cited by the submitters: PubMed 8894686 (cited by Labcorp Genetics (formerly Invitae), Labcorp); PubMed 22317976 (cited by Labcorp Genetics (formerly Invitae), Labcorp); PubMed 21951868 (cited by Labcorp Genetics (formerly Invitae), Labcorp); PubMed 32909271 (cited by Labcorp Genetics (formerly Invitae), Labcorp).